The following is an entry in ClinVar:

ClinVar aggregate classification (germline): Uncertain significance (1 of 4 stars; one submission).

Allele frequency attached by ClinVar (database versions not stated): ExAC 0.00001; gnomAD 0.00001.
gnomAD v4.1: 1 of 1,614,064 alleles (0.000062%); highest among the groups gnomAD compares: East Asian, 0.0022%; no homozygotes.

Submission:

Labcorp Genetics (formerly Invitae), Labcorp
Classification: Uncertain significance. Last evaluated: 2024-02-24. Review status: criteria provided, single submitter. Criteria: Invitae Variant Classification Sherloc (09022015). Collection method: clinical testing. Allele origin: germline.
Comment: This sequence change replaces leucine, which is neutral and non-polar, with proline, which is neutral and non-polar, at codon 2252 of the NBAS protein (p.Leu2252Pro). This variant is present in population databases (rs759761161, gnomAD 0.01%). This variant has not been reported in the literature in individuals affected with NBAS-related conditions. ClinVar contains an entry for this variant (Variation ID: 1895929). Advanced modeling of protein sequence and biophysical properties (such as structural, functional, and spatial information, amino acid conservation, physicochemical variation, residue mobility, and thermodynamic stability) performed at Invitae indicates that this missense variant is not expected to disrupt NBAS protein function with a negative predictive value of 95%. In summary, the available evidence is currently insufficient to determine the role of this variant in disease. Therefore, it has been classified as a Variant of Uncertain Significance.

NM_015909.4(NBAS):c.6755T>C (p.Leu2252Pro)

Gene: NBAS (NBAS subunit of NRZ tethering complex; minus strand). Cytogenetic location: 2p24.3.
Variant type: single nucleotide variant.
Coding change: c.6755T>C on transcript NM_015909.4 (MANE Select); coding-DNA position 6755, T replaced by C.
Protein change: p.Leu2252Pro; replaces leucine 2252 with proline.
Molecular consequence: missense variant. On other transcripts: non-coding transcript variant (1).
Genome position (GRCh38, 1-based): chr2:15,179,073, A>G on the plus strand (T>C on the coding strand, the complement: NBAS is on the minus strand). VCF-style: chr2-15179073-A-G. GRCh37 (hg19) VCF-style: chr2-15319197-A-G.
Other names: short protein forms L2252P.
Identifiers: ClinVar variation 1895929 (VCV001895929.5), dbSNP rs759761161, ClinGen allele CA1534890.